The following is an entry in ClinVar:

NM_030632.3(ASXL3):c.1990C>T (p.Gln664Ter)

Gene: ASXL3 (ASXL transcriptional regulator 3; plus strand). Cytogenetic location: 18q12.1.
Variant type: single nucleotide variant.
Coding change: c.1990C>T on transcript NM_030632.3 (MANE Select); coding-DNA position 1990, C replaced by T.
Protein change: p.Gln664Ter; replaces glutamine 664 with a stop codon.
Molecular consequence: nonsense.
Genome position (GRCh38, 1-based): chr18:33,739,394, C>T. VCF-style: chr18-33739394-C-T. GRCh37 (hg19) VCF-style: chr18-31319358-C-T.
Other names: short protein forms Q664*.
Identifiers: ClinVar variation 1878611 (VCV001878611.24), dbSNP rs768312159, ClinGen allele CA402177031.
Genomic context (GRCh38, chr18:33,739,394, plus strand): 5'-TCCCTTGAGACAACATTTTGTTCTGAGGTATCTAGCACTGAAAATACAGACAAATACAAC[C>T]AGAGAAATTCCACTGATGAAAACTTTCATGCATCTTTGATGTCAGAAATATCTCCAATAT-3'

ClinVar aggregate classification (germline): Pathogenic/Likely pathogenic. Review status: criteria provided, multiple submitters, no conflicts (2 of 4 stars). 4 submissions from 4 submitters: Pathogenic (3); Likely pathogenic (1). Last evaluated 2025-06-09.

Conditions:
Bainbridge-Ropers syndrome. Also called: Severe feeding difficulties-failure to thrive-microcephaly due to ASXL3 deficiency syndrome. Identifiers: Orphanet 352577, MedGen C4750837, MONDO:0014205, OMIM 615485.

Submissions (4):

3billion
Classification: Pathogenic for Bainbridge-Ropers syndrome. Last evaluated: 2025-06-09. Review status: criteria provided, single submitter. Criteria: ACMG Guidelines, 2015. Collection method: clinical testing. Allele origin: germline. Affected: yes.
Comment: The variant is not observed in the gnomAD v4.1.0 dataset. Predicted Consequence/Location: Stop-gained (nonsense): predicted to result in a loss or disruption of normal protein function through nonsense-mediated decay (NMD) or protein truncation. Multiple pathogenic variants are reported downstream of the variant. The variant has been reported at least twice as pathogenic with clinical assertions and evidence for the classification (ClinVar ID: VCV001878611 /PMID: 25131622). Therefore, this variant is classified as Pathogenic according to the recommendation of ACMG/AMP guideline.

Medgenome Labs Ltd
Classification: Pathogenic for Bainbridge-Ropers syndrome. Last evaluated: 2025-01-30. Review status: criteria provided, single submitter. Criteria: ACMG Guidelines, 2015. Collection method: clinical testing. Allele origin: germline. Affected: yes.

CeGaT Center for Human Genetics Tuebingen
Classification: Pathogenic. Last evaluated: 2023-11-01. Review status: criteria provided, single submitter. Criteria: CeGaT Center For Human Genetics Tuebingen Variant Classification Criteria Version 2. Collection method: clinical testing. Allele origin: germline. Affected: yes. Observed: 1 variant allele.
Comment: ASXL3: PVS1, PM2, PM6:Supporting, PS4:Supporting

Neuberg Centre For Genomic Medicine, NCGM
Classification: Likely pathogenic for Bainbridge-Ropers syndrome. Review status: criteria provided, single submitter. Criteria: ACMG Guidelines, 2015. Collection method: clinical testing. Allele origin: germline. Affected: yes.
Comment: The variant has not been reported previously as a pathogenic variant nor as a benign variant, to our knowledge. The c.1990C>T(p.Gln664Ter) variant is novel (not in any individuals) in gnomAD Exomes and is novel (not in any individuals) in 1000 Genomes. The variant is in the pneultimate exon and hence functional studies will be required to prove protein tuncation. Previously, disease causing variants have been reported in the penultimate exon including downstream variants. For these reasons. the above variant is being classified as Likely Pathogenic.

Literature cited by the submitters: PubMed 25131622 (cited by 3billion and Medgenome Labs Ltd).